The following is an entry in ClinVar:

NM_000278.5(PAX2):c.730G>A (p.Val244Ile)

Gene: PAX2 (paired box 2; plus strand). Cytogenetic location: 10q24.31.
Variant type: single nucleotide variant.
Coding change: c.730G>A on transcript NM_000278.5 (MANE Select); coding-DNA position 730, G replaced by A.
Protein change: p.Val244Ile; replaces valine 244 with isoleucine.
Molecular consequence: missense variant.
Genome position (GRCh38, 1-based): chr10:100,806,543, G>A. VCF-style: chr10-100806543-G-A. GRCh37 (hg19) VCF-style: chr10-102566300-G-A.
Other names: c.823G>A, p.Val275Ile (NM_001304569.2); c.799G>A, p.Val267Ile (NM_003987.5, NM_003990.5); c.730G>A, p.Val244Ile (NM_003988.5, NM_003989.5); short protein forms V244I, V275I, V267I.
Identifiers: ClinVar variation 4784760 (VCV004784760.2).

ClinVar aggregate classification (germline): Uncertain significance. Review status: criteria provided, multiple submitters, no conflicts (2 of 4 stars). 2 submissions from 2 submitters: Uncertain significance (2). Last evaluated 2025-04-18.

Conditions:
Renal coloboma syndrome (PAPRS). Also called: PAPILLORENAL SYNDROME; COLOBOMA OF OPTIC NERVE WITH RENAL DISEASE; OPTIC COLOBOMA, VESICOURETERAL REFLUX, AND RENAL ANOMALIES; OPTIC NERVE COLOBOMA WITH RENAL DISEASE; RENAL-COLOBOMA SYNDROME WITH MACULAR ABNORMALITIES; PAPILLORENAL SYNDROME WITH MILD OCULAR ABNORMALITIES. Identifiers: Orphanet 1475, MedGen C1852759, MONDO:0007352, OMIM 120330.
Focal segmental glomerulosclerosis 7 (FSGS7). Identifiers: Orphanet 656, MedGen C4014925, MONDO:0014451, OMIM 616002.

Submissions (2):

Labcorp Genetics (formerly Invitae), Labcorp
Classification: Uncertain significance for Renal coloboma syndrome; Focal segmental glomerulosclerosis 7. Last evaluated: 2025-04-18. Review status: criteria provided, single submitter. Criteria: Invitae Variant Classification Sherloc (09022015). Collection method: clinical testing. Allele origin: germline.
Comment: This sequence change replaces valine, which is neutral and non-polar, with isoleucine, which is neutral and non-polar, at codon 244 of the PAX2 protein (p.Val244Ile). This variant is not present in population databases (gnomAD no frequency). This variant has not been reported in the literature in individuals affected with PAX2-related conditions. Experimental studies and prediction algorithms are not available or were not evaluated, and the functional significance of this variant is currently unknown. In summary, the available evidence is currently insufficient to determine the role of this variant in disease. Therefore, it has been classified as a Variant of Uncertain Significance.

Blueprint Genetics
Classification: Uncertain significance. Last evaluated: 2022-06-08. Review status: criteria provided, single submitter. Criteria: ACMG Guidelines, 2015. Collection method: clinical testing. Allele origin: germline.